The following is an entry in ClinVar:

NM_020822.3(KCNT1):c.3178-5_3178-1dup

Gene: KCNT1 (potassium sodium-activated channel subfamily T member 1; plus strand). Cytogenetic location: 9q34.3.
Variant type: Duplication.
Coding change: c.3178-5_3178-1dup on transcript NM_020822.3 (MANE Select); 5 bases into the intron before coding-DNA position 3178 through the canonical splice acceptor site of the intron before coding-DNA position 3178, 5 bases duplicated (CCCAG; older notation c.3178-5_3178-1dupCCCAG).
Molecular consequence: splice acceptor variant.
Genome position (GRCh38, 1-based): chr9:135,786,192-135,786,196, CCCAG duplicated; duplicating any 5 consecutive bases within chr9:135,786,191-135,786,196 gives the same sequence; the c. name uses the placement nearest the transcript's 3' end. VCF-style (leftmost placement, unchanged base first): chr9-135786190-T-TGCCCA. GRCh37 (hg19) VCF-style: chr9-138678036-T-TGCCCA.
Other names: c.3043-5_3043-1dup (NM_001272003.2).
Identifiers: ClinVar variation 1017887 (VCV001017887.5), dbSNP rs772240955, ClinGen allele CA591364924.

ClinVar aggregate classification (germline): Uncertain significance (1 of 4 stars; one submission).

Conditions:
Autosomal dominant nocturnal frontal lobe epilepsy 5. Also called: KCNT1-Related Epilepsy; CILIARY DYSKINESIA, PRIMARY, 28, WITHOUT SITUS INVERSUS; CILIARY DYSKINESIA, PRIMARY, 28, WITH SITUS INVERSUS; Epilepsy, nocturnal frontal lobe, 5. Identifiers: Orphanet 98784, MedGen C3554306, MONDO:0014002, OMIM 615005.
Developmental and epileptic encephalopathy, 14 (DEE14). Also called: Early infantile epileptic encephalopathy 14. Identifiers: Orphanet 293181, MedGen C3554195, MONDO:0013989, OMIM 614959.

Submission:

Labcorp Genetics (formerly Invitae), Labcorp
Classification: Uncertain significance for Autosomal dominant nocturnal frontal lobe epilepsy 5; Developmental and epileptic encephalopathy, 14. Last evaluated: 2025-05-05. Review status: criteria provided, single submitter. Criteria: Invitae Variant Classification Sherloc (09022015). Collection method: clinical testing. Allele origin: germline.
Comment: This sequence change falls in intron 28 of the KCNT1 gene. It does not directly change the encoded amino acid sequence of the KCNT1 protein. This variant is present in population databases (no rsID available, gnomAD 0.003%). This variant has not been reported in the literature in individuals affected with KCNT1-related conditions. ClinVar contains an entry for this variant (Variation ID: 1017887). Algorithms developed to predict the effect of sequence changes on RNA splicing suggest that this variant may disrupt the consensus splice site. In summary, the available evidence is currently insufficient to determine the role of this variant in disease. Therefore, it has been classified as a Variant of Uncertain Significance.